The following is an entry in ClinVar:

ClinVar aggregate classification (germline): Pathogenic (0 of 4 stars; one submission).

Submission:

ISCA site 4
Classification: Pathogenic. Last evaluated: 2011-08-11. Review status: no assertion criteria provided. Collection method: clinical testing. Allele origin: unknown. Affected: yes. Observed: 1 variant allele.
Comment: Copy number variation identified through the course of routine clinical cytogenomic testing in postnatal populations. Clinical assertions have been curated as described in Kaminsky et al. 2011.

Copy number variation identified through the course of routine clinical cytogenomic testing in postnatal populations. Clinical assertions have been curated as described in Kaminsky, et al. 2011 (PubMed 21844811). For additional ClinGen data, please see nstd37.

GRCh38/hg38 8p23.1(chr8:8273108-11948451)x3

Genes: MFHAS1 (multifunctional ROCO family signaling regulator 1), MIR124-1 (microRNA 124-1), MIR124-1HG (MIR124-1 host gene), MIR1322 (microRNA 1322), MIR4286 (microRNA 4286) and 188 more. Cytogenetic location: 8p23.1.
Variant type: copy number gain.
Change: copy number 3 (three copies instead of two) of chr8:8,273,108-11,948,451 (3.68 Mb, GRCh38 coordinates, 1-based), cytogenetic band 8p23.1.
Identifiers: ClinVar variation 161001 (VCV000161001.2).